The following is an entry in ClinVar:

NM_152564.5(VPS13B):c.9743-5_9744del

Gene: VPS13B (vacuolar protein sorting 13 homolog B; plus strand). Cytogenetic location: 8q22.2.
Variant type: Deletion.
Coding change: c.9743-5_9744del on transcript NM_152564.5 (MANE Select); 5 bases into the intron before coding-DNA position 9743 through coding-DNA position 9744, 7 bases deleted (TTCAGAT; older notation c.9743-5_9744delTTCAGAT).
Molecular consequence: splice acceptor variant.
Genome position (GRCh38, 1-based): chr8:99,835,534-99,835,540, TTCAGAT deleted; deleting any 7 consecutive bases within chr8:99,835,532-99,835,540 gives the same sequence; the c. name uses the placement nearest the transcript's 3' end. VCF-style (leftmost placement, unchanged base first): chr8-99835531-AATTTCAG-A. GRCh37 (hg19) VCF-style: chr8-100847759-AATTTCAG-A.
Other names: c.9818-5_9819del (NM_017890.5).
Identifiers: ClinVar variation 2762775 (VCV002762775.3), dbSNP rs2492123019, ClinGen allele CA2697550077.
Genomic context (GRCh38, chr8:99,835,531, plus strand): 5'-TTATGTTCTGTCCCCCAAGTCTCTGTCTTTAAGGGCTAATTCTGCATATGCCTTTTTTAA[AATTTCAG>A]ATATTCCAAAGTTTGAGGTTTATTGCAAAAAAATTCCCTCCGAGTGCTCAATTCATCATG-3'

ClinVar aggregate classification (germline): Likely pathogenic (1 of 4 stars; one submission).

Conditions:
Cohen syndrome (COH1). Also called: PEPPER SYNDROME; Cutis verticis gyrata, retinitis pigmentosa, and sensorineural deafness. Identifiers: Orphanet 193, MedGen C0265223, MONDO:0008999, OMIM 216550.

Submission:

Labcorp Genetics (formerly Invitae), Labcorp
Classification: Likely pathogenic for Cohen syndrome. Last evaluated: 2023-09-29. Review status: criteria provided, single submitter. Criteria: Invitae Variant Classification Sherloc (09022015). Collection method: clinical testing. Allele origin: germline.
Comment: In summary, the currently available evidence indicates that the variant is pathogenic, but additional data are needed to prove that conclusively. Therefore, this variant has been classified as Likely Pathogenic. This variant results in the deletion of part of exon 54 (c.9818-5_9819del) of the VPS13B gene. It is expected to disrupt RNA splicing. Variants that disrupt the donor or acceptor splice site typically lead to a loss of protein function (PMID: 16199547), and loss-of-function variants in VPS13B are known to be pathogenic (PMID: 15141358, 16648375, 20461111). This variant is not present in population databases (gnomAD no frequency). This variant has not been reported in the literature in individuals affected with VPS13B-related conditions.

Literature cited by the submitters: PubMed 16199547; PubMed 15141358; PubMed 16648375; PubMed 20461111.